The following is an entry in ClinVar:

NM_001128159.3(VPS53):c.628_631del (p.Thr209_Glu210insTer)

Gene: VPS53 (VPS53 subunit of GARP complex; minus strand). Cytogenetic location: 17p13.3.
Variant type: Deletion.
Coding change: c.628_631del on transcript NM_001128159.3 (MANE Select); coding-DNA positions 628 to 631, 4 bases deleted (GAGT; older notation c.628_631delGAGT).
Protein change: p.Thr209_Glu210insTer.
Molecular consequence: nonsense.
Genome position (GRCh38, 1-based): chr17:631,606-631,609, ACTC deleted on the plus strand (GAGT on the coding strand, the reverse complement: VPS53 is on the minus strand); deleting any 4 consecutive bases within chr17:631,606-631,610 gives the same sequence; the c. name uses the placement nearest the transcript's 3' end. VCF-style (leftmost placement, unchanged base first): chr17-631605-AACTC-A. GRCh37 (hg19) VCF-style: chr17-534845-AACTC-A.
Other names: c.628_631del, p.Thr209_Glu210insTer (NM_001366253.2); c.34_37del, p.Thr11_Glu12insTer (NM_001366254.2); c.541_544del, p.Thr180_Glu181insTer (NM_018289.4).
Identifiers: ClinVar variation 5003560 (VCV005003560.1).

ClinVar aggregate classification (germline): Pathogenic (1 of 4 stars; one submission).

Conditions:
Pontocerebellar hypoplasia type 2E. Identifiers: Orphanet 247198, MedGen C4014488, MONDO:0014370, OMIM 615851.

Submission:

Myriad Genetics, Inc.
Classification: Pathogenic for Pontocerebellar hypoplasia type 2E. Last evaluated: 2026-08-14. Review status: criteria provided, single submitter. Criteria: Myriad Autosomal Dominant, Autosomal Recessive and X-Linked Classification Criteria (2023). Collection method: clinical testing. Allele origin: unknown.
Comment: NM_001128159.2(VPS53):c.628_631delGAGT(E210*) is a frameshift variant classified as pathogenic in the context of pontocerebellar hypoplasia, VPS53-related. E210* has not been observed in cases with relevant disease. Relevant functional assessments of this variant are not available in the literature. E210* has not been observed in referenced population frequency databases. In summary, NM_001128159.2(VPS53):c.628_631delGAGT(E210*) is a frameshift variant in a gene where loss of function is a known mechanism of disease and is predicted to disrupt protein function. Please note: this variant was assessed in the context of healthy population screening.